The following is an entry in ClinVar:

NM_001378452.1(ITPR1):c.7240C>T (p.Leu2414Phe)

Gene: ITPR1 (inositol 1,4,5-trisphosphate receptor type 1; plus strand). Cytogenetic location: 3p26.1.
Variant type: single nucleotide variant.
Coding change: c.7240C>T on transcript NM_001378452.1 (MANE Select); coding-DNA position 7240, C replaced by T.
Protein change: p.Leu2414Phe; replaces leucine 2414 with phenylalanine.
Molecular consequence: missense variant.
Genome position (GRCh38, 1-based): chr3:4,806,235, C>T. VCF-style: chr3-4806235-C-T. GRCh37 (hg19) VCF-style: chr3-4847919-C-T.
Other names: c.7096C>T, p.Leu2366Phe (NM_001099952.4); c.7195C>T, p.Leu2399Phe (NM_001168272.2); c.7051C>T, p.Leu2351Phe (NM_002222.7); short protein forms L2351F, L2366F, L2399F, L2414F.
Identifiers: ClinVar variation 3616942 (VCV003616942.2).

ClinVar aggregate classification (germline): Uncertain significance (1 of 4 stars; one submission).

Submission:

Labcorp Genetics (formerly Invitae), Labcorp
Classification: Uncertain significance. Last evaluated: 2024-04-23. Review status: criteria provided, single submitter. Criteria: Invitae Variant Classification Sherloc (09022015). Collection method: clinical testing. Allele origin: germline.
Comment: This sequence change replaces leucine, which is neutral and non-polar, with phenylalanine, which is neutral and non-polar, at codon 2351 of the ITPR1 protein (p.Leu2351Phe). This variant is not present in population databases (gnomAD no frequency). This variant has not been reported in the literature in individuals affected with ITPR1-related conditions. Advanced modeling of protein sequence and biophysical properties (such as structural, functional, and spatial information, amino acid conservation, physicochemical variation, residue mobility, and thermodynamic stability) performed at Invitae indicates that this missense variant is not expected to disrupt ITPR1 protein function with a negative predictive value of 80%. In summary, the available evidence is currently insufficient to determine the role of this variant in disease. Therefore, it has been classified as a Variant of Uncertain Significance.